The following is an entry in ClinVar:

NM_001384900.1(SEMA3D):c.819C>G (p.Thr273=)

Gene: SEMA3D (semaphorin 3D; minus strand). Cytogenetic location: 7q21.11.
Variant type: single nucleotide variant.
Coding change: c.819C>G on transcript NM_001384900.1 (MANE Select); coding-DNA position 819, C replaced by G.
Protein change: p.Thr273=; no amino-acid change (threonine 273 retained).
Molecular consequence: synonymous variant.
Genome position (GRCh38, 1-based): chr7:85,055,759, G>C on the plus strand (C>G on the coding strand, the complement: SEMA3D is on the minus strand). VCF-style: chr7-85055759-G-C. GRCh37 (hg19) VCF-style: chr7-84685075-G-C.
Other names: c.819C>G, p.Thr273= (NM_001384901.1, NM_001384902.1, NM_001384903.1 and 1 more transcripts).
Identifiers: ClinVar variation 3354625 (VCV003354625.1).

ClinVar aggregate classification (germline): Likely benign (0 of 4 stars; one submission).

Conditions:
SEMA3D-related disorder. Also called: SEMA3D-related condition.

gnomAD v4.1: 1 of 1,562,022 alleles (0.000064%); highest among the groups gnomAD compares: African/African-American, 0.0014%; no homozygotes.

Submission:

PreventionGenetics, part of Exact Sciences
Classification: Likely benign for SEMA3D-related condition. Last evaluated: 2023-11-13. Review status: no assertion criteria provided. Collection method: clinical testing. Allele origin: germline.
Comment: This variant is classified as likely benign based on ACMG/AMP sequence variant interpretation guidelines (Richards et al. 2015 PMID: 25741868, with internal and published modifications).